The following is an entry in ClinVar:

ClinVar aggregate classification (germline): Pathogenic (1 of 4 stars; one submission).

Conditions:
Pigmentary pallidal degeneration (NBIA1). Also called: Neurodegeneration with brain iron accumulation 1; HARP SYNDROME; PKAN NEUROAXONAL DYSTROPHY, JUVENILE-ONSET; Pantothenate Kinase-Associated Neurodegeneration; Neuroaxonal dystrophy, late infantile; Hallervorden-Spatz disease. Identifiers: Orphanet 157850, MedGen C0018523, MONDO:0009319, OMIM 234200.

Submission:

Labcorp Genetics (formerly Invitae), Labcorp
Classification: Pathogenic for Pigmentary pallidal degeneration. Last evaluated: 2023-09-26. Review status: criteria provided, single submitter. Criteria: Invitae Variant Classification Sherloc (09022015). Collection method: clinical testing. Allele origin: germline.
Comment: For these reasons, this variant has been classified as Pathogenic. This premature translational stop signal has been observed in individual(s) with pantothenate kinase-associated neurodegeneration (PMID: 3043782, 15565311, 33043782). In at least one individual the data is consistent with being in trans (on the opposite chromosome) from a pathogenic variant. It has also been observed to segregate with disease in related individuals. This variant is not present in population databases (gnomAD no frequency). This sequence change creates a premature translational stop signal (p.Val172Glyfs*29) in the PANK2 gene. While this is not anticipated to result in nonsense mediated decay, it is expected to disrupt the last 399 amino acid(s) of the PANK2 protein.

Literature cited by the submitters: PubMed 3043782; PubMed 15565311; PubMed 33043782.

NM_001386393.1(PANK2):c.185_197del (p.Val62fs)

Genes: PANK2 (pantothenate kinase 2; plus strand), LOC130065345 (ATAC-STARR-seq lymphoblastoid silent region 12635; plus strand). Cytogenetic location: 20p13.
Variant type: Deletion.
Coding change: c.185_197del on transcript NM_001386393.1 (MANE Select); coding-DNA positions 185 to 197, 13 bases deleted (TGCCCGCGGTCGG).
Protein change: p.Val62fs; shifts the reading frame from valine 62.
Molecular consequence: frameshift variant. On other transcripts: 5 prime UTR variant (1), non-coding transcript variant (1), intron variant (1).
Genome position (GRCh38, 1-based): chr20:3,889,615-3,889,627, TGCCCGCGGTCGG deleted; deleting any 13 consecutive bases within chr20:3,889,610-3,889,627 gives the same sequence; the c. name uses the placement nearest the transcript's 3' end. VCF-style (leftmost placement, unchanged base first): chr20-3889609-CGTCGGTGCCCGCG-C. GRCh37 (hg19) VCF-style: chr20-3870256-CGTCGGTGCCCGCG-C.
Other names: c.-527_-515del (NM_001324191.2); c.515_527del, p.Val172fs (NM_001324192.1, NM_153638.4); c.-246+711_-246+723del (NM_024960.6); short protein forms V172fs, V62fs.
Identifiers: ClinVar variation 2736936 (VCV002736936.3), dbSNP rs2515424923, ClinGen allele CA2695229250.